The following is an entry in ClinVar:

NM_000053.4(ATP7B):c.3502G>T (p.Ala1168Ser)

Gene: ATP7B (ATPase copper transporting beta; minus strand). Cytogenetic location: 13q14.3.
Variant type: single nucleotide variant.
Coding change: c.3502G>T on transcript NM_000053.4 (MANE Select); coding-DNA position 3502, G replaced by T.
Protein change: p.Ala1168Ser; replaces alanine 1168 with serine.
Molecular consequence: missense variant.
Genome position (GRCh38, 1-based): chr13:51,941,135, C>A on the plus strand (G>T on the coding strand, the complement: ATP7B is on the minus strand). VCF-style: chr13-51941135-C-A. GRCh37 (hg19) VCF-style: chr13-52515271-C-A.
Other names: c.2881G>T, p.Ala961Ser (NM_001005918.3); c.3169G>T, p.Ala1057Ser (NM_001243182.2); c.3268G>T, p.Ala1090Ser (NM_001330578.2); c.3250G>T, p.Ala1084Ser (NM_001330579.2); short protein forms A1168S, A1090S, A1057S, A961S, A1084S.
Identifiers: ClinVar variation 552499 (VCV000552499.4), dbSNP rs777879359, ClinGen allele CA6988672.

ClinVar aggregate classification (germline): Uncertain significance. Review status: criteria provided, multiple submitters, no conflicts (2 of 4 stars). 3 submissions from 3 submitters: Uncertain significance (2). 1 of the submissions does not count toward it. Last evaluated 2024-08-13.

Conditions:
Wilson disease (WND). Also called: Wilson's disease. Identifiers: Orphanet 905, MedGen C0019202, MONDO:0010200, OMIM 277900. Disease mechanism: loss of function.

gnomAD v4.1: 7 of 1,613,996 alleles (0.00043%); highest among the groups gnomAD compares: Admixed American, 0.0083%; no homozygotes.

Submissions (3):

All of Us Research Program, National Institutes of Health
Classification: Uncertain significance for Wilson disease. Last evaluated: 2024-08-13. Review status: criteria provided, single submitter. Criteria: ACMG Guidelines, 2015. Collection method: clinical testing. Allele origin: germline. Inheritance: Autosomal recessive inheritance. Observed: 4 variant alleles, 4 heterozygotes.
Comment: This missense variant replaces alanine with serine at codon 1168 of the ATP7B protein. Computational prediction is inconclusive regarding the impact of this variant on protein structure and function (internally defined REVEL score threshold 0.5 < inconclusive < 0.7, PMID: 27666373). To our knowledge, functional studies have not been reported for this variant. This variant has not been reported in individuals affected with Wilson disease in the literature. This variant has not been identified in the general population by the Genome Aggregation Database (gnomAD). The available evidence is insufficient to determine the role of this variant in disease conclusively. Therefore, this variant is classified as a Variant of Uncertain Significance.

This study involves interpretation of variants in research participants for the purpose of population health screening. Participant phenotype was not available at the time of variant classification. Additional details can be found in publication PMID: 35346344, PMCID: PMC8962531

Fulgent Genetics
Classification: Uncertain significance for Wilson disease. Last evaluated: 2024-05-20. Review status: criteria provided, single submitter. Criteria: ACMG Guidelines, 2015. Collection method: clinical testing. Allele origin: germline.

Counsyl
Classification: Uncertain significance for Wilson disease. Last evaluated: 2017-06-13. Review status: no assertion criteria provided. Collection method: clinical testing. Allele origin: unknown. Not counted in ClinVar's aggregate classification.

Literature cited by the submitters: PubMed 21645214 (cited by Counsyl); PubMed 16696937 (cited by Counsyl).